The following is an entry in ClinVar:

ClinVar aggregate classification (germline): Uncertain significance (1 of 4 stars; one submission).

Conditions:
Hereditary spastic paraplegia 64. Also called: Spastic paraplegia 64, autosomal recessive; ENTPD1-Related Neurodevelopmental Disorder. Identifiers: Orphanet 401810, MedGen C3810289, MONDO:0014303, OMIM 615683.

Allele frequency attached by ClinVar (database versions not stated): TOPMed 0.00001.
gnomAD v4.1: 61 of 1,613,762 alleles (0.0038%); highest among the groups gnomAD compares: South Asian, 0.043%; 1 homozygote.

Submission:

Labcorp Genetics (formerly Invitae), Labcorp
Classification: Uncertain significance for Spastic paraplegia 64, autosomal recessive. Last evaluated: 2018-11-20. Review status: criteria provided, single submitter. Criteria: Invitae Variant Classification Sherloc (09022015). Collection method: clinical testing. Allele origin: germline.
Comment: This sequence change replaces glycine with serine at codon 449 of the ENTPD1 protein (p.Gly449Ser). The glycine residue is highly conserved and there is a small physicochemical difference between glycine and serine. This variant is present in population databases (rs761374158, ExAC 0.006%). This variant has not been reported in the literature in individuals with ENTPD1-related disease. Algorithms developed to predict the effect of missense changes on protein structure and function (SIFT, PolyPhen-2, Align-GVGD) all suggest that this variant is likely to be disruptive, but these predictions have not been confirmed by published functional studies and their clinical significance is uncertain. In summary, the available evidence is currently insufficient to determine the role of this variant in disease. Therefore, it has been classified as a Variant of Uncertain Significance.

NM_001776.6(ENTPD1):c.1345G>A (p.Gly449Ser)

Genes: ENTPD1 (ectonucleoside triphosphate diphosphohydrolase 1; plus strand), ENTPD1-AS1 (ENTPD1 antisense RNA 1; minus strand). Cytogenetic location: 10q24.1.
Variant type: single nucleotide variant.
Coding change: c.1345G>A on transcript NM_001776.6 (MANE Select); coding-DNA position 1345, G replaced by A.
Protein change: p.Gly449Ser; replaces glycine 449 with serine.
Molecular consequence: missense variant. On other transcripts: intron variant (1).
Genome position (GRCh38, 1-based): chr10:95,866,195, G>A. VCF-style: chr10-95866195-G-A. GRCh37 (hg19) VCF-style: chr10-97625952-G-A.
Other names: c.1366G>A, p.Gly456Ser (NM_001098175.2); c.1381G>A, p.Gly461Ser (NM_001164178.1); c.1222G>A, p.Gly408Ser (NM_001164179.2); c.1021G>A, p.Gly341Ser (NM_001164181.1, NM_001312654.1); c.931G>A, p.Gly311Ser (NM_001164182.2, NM_001164183.2); c.1362+1334G>A (NM_001320916.1); short protein forms G311S, G341S, G408S, G461S, G449S, G456S.
Identifiers: ClinVar variation 653193 (VCV000653193.1), dbSNP rs761374158, ClinGen allele CA5621642.